The following is an entry in ClinVar:

ClinVar aggregate classification (germline): Pathogenic. Review status: criteria provided, multiple submitters, no conflicts (2 of 4 stars). 3 submissions from 3 submitters: Pathogenic (3). Last evaluated 2026-03-24.

Conditions:
Hereditary cancer-predisposing syndrome. Also called: Hereditary Cancer Syndrome; Neoplastic Syndromes, Hereditary; Tumor predisposition; Hereditary neoplastic syndrome. Identifiers: Orphanet 140162, MedGen C0027672, MeSH D009386, MONDO:0015356.
Familial cancer of breast. Also called: BREAST CANCER, FAMILIAL; Hereditary breast cancer; hereditary breast carcinoma. Identifiers: Orphanet 227535, MedGen C0346153, MONDO:0016419, OMIM 114480. Disease mechanism: loss of function.

Submissions (3):

Ambry Genetics
Classification: Pathogenic for Hereditary cancer-predisposing syndrome. Last evaluated: 2026-03-24. Review status: criteria provided, single submitter. Criteria: Ambry Variant Classification Scheme 2023. Collection method: clinical testing. Allele origin: germline.
Comment: The c.1328_1329delCT pathogenic mutation, located in coding exon 5 of the BARD1 gene, results from a deletion of two nucleotides at nucleotide positions 1328 to 1329, causing a translational frameshift with a predicted alternate stop codon (p.S443Cfs*2). This variant is considered to be rare based on population cohorts in the Genome Aggregation Database (gnomAD). This alteration is expected to result in loss of function by premature protein truncation or nonsense-mediated mRNA decay. As such, this alteration is interpreted as a disease-causing mutation.

Myriad Genetics, Inc.
Classification: Pathogenic for Familial cancer of breast. Last evaluated: 2023-05-22. Review status: criteria provided, single submitter. Criteria: Myriad Autosomal Dominant, Autosomal Recessive and X-Linked Classification Criteria (2023). Collection method: clinical testing. Allele origin: unknown.
Comment: This variant is considered pathogenic. This variant creates a frameshift predicted to result in premature protein truncation.

Labcorp Genetics (formerly Invitae), Labcorp
Classification: Pathogenic for Familial cancer of breast. Last evaluated: 2019-10-04. Review status: criteria provided, single submitter. Criteria: Invitae Variant Classification Sherloc (09022015). Collection method: clinical testing. Allele origin: germline.
Comment: This sequence change creates a premature translational stop signal (p.Ser443Cysfs*2) in the BARD1 gene. It is expected to result in an absent or disrupted protein product. This variant is not present in population databases (ExAC no frequency). This variant has not been reported in the literature in individuals with BARD1-related conditions. Loss-of-function variants in BARD1 are known to be pathogenic (PMID: 20077502, 21344236). For these reasons, this variant has been classified as Pathogenic.

Literature cited by the submitters: PubMed 20077502 (cited by Labcorp Genetics (formerly Invitae), Labcorp); PubMed 21344236 (cited by Labcorp Genetics (formerly Invitae), Labcorp).

NM_000465.4(BARD1):c.1328_1329del (p.Ser443fs)

Gene: BARD1 (BRCA1 associated RING domain 1; minus strand). Cytogenetic location: 2q35.
Variant type: Deletion.
Coding change: c.1328_1329del on transcript NM_000465.4 (MANE Select); coding-DNA positions 1328 to 1329, 2 bases deleted (CT; older notation c.1328_1329delCT).
Protein change: p.Ser443fs; shifts the reading frame from serine 443.
Molecular consequence: frameshift variant. On other transcripts: non-coding transcript variant (3), intron variant (3).
Genome position (GRCh38, 1-based): chr2:214,769,298-214,769,299, AG deleted on the plus strand (CT on the coding strand, the reverse complement: BARD1 is on the minus strand); deleting any 2 consecutive bases within chr2:214,769,298-214,769,300 gives the same sequence; the c. name uses the placement nearest the transcript's 3' end. VCF-style (leftmost placement, unchanged base first): chr2-214769297-CAG-C. GRCh37 (hg19) VCF-style: chr2-215634021-CAG-C.
Other names: c.1328_1329delCT (NM_000465.2); c.1271_1272del, p.Ser424fs (NM_001282543.2); c.159-16744_159-16743del (NM_001282548.2); c.216-16744_216-16743del (NM_001282545.2); c.364+22998_364+22999del (NM_001282549.2); short protein forms S443fs, S424fs.
Identifiers: ClinVar variation 943299 (VCV000943299.11), dbSNP rs1694365276, ClinGen allele CA1139655690.